The following is an entry in ClinVar:

ClinVar aggregate classification (germline): Conflicting classifications of pathogenicity. Review status: criteria provided, conflicting classifications (1 of 4 stars). 10 submissions from 10 submitters: Uncertain significance (1); Likely benign (7). 2 of the submissions do not count toward it. Last evaluated 2025-01-14.

Conditions:
Hereditary cancer-predisposing syndrome. Also called: Tumor predisposition; Neoplastic Syndromes, Hereditary; Hereditary neoplastic syndrome; Hereditary Cancer Syndrome. Identifiers: Orphanet 140162, MedGen C0027672, MeSH D009386, MONDO:0015356.
Familial cancer of breast. Also called: Hereditary breast cancer; BREAST CANCER, FAMILIAL; hereditary breast carcinoma. Identifiers: Orphanet 227535, MedGen C0346153, MONDO:0016419, OMIM 114480. Disease mechanism: loss of function.
Breast-ovarian cancer, familial, susceptibility to, 2 (BROVCA2). Also called: BRCA2 Hereditary Breast and Ovarian Cancer. Identifiers: Orphanet 145, MedGen C2675520, MONDO:0012933, OMIM 612555. Disease mechanism: loss of function.
Hereditary breast ovarian cancer syndrome. Also called: Hereditary breast and ovarian cancer; Hereditary breast and ovarian cancer syndrome (HBOC); Hereditary breast and/or ovarian cancer syndrome; Breast and ovarian cancer; Hereditary breast and ovarian cancer syndrome; BRCA1- and BRCA2-Associated Hereditary Breast and Ovarian Cancer. Identifiers: Orphanet 145, MedGen C0677776, MeSH D061325, MONDO:0003582. Disease mechanism: loss of function.

Allele frequency attached by ClinVar (database versions not stated): ExAC 0.00001; gnomAD 0.00001; gnomAD exomes 0.00001 and 0.00002; 1000 Genomes Project 30x 0.00016; 1000 Genomes Project 0.00020.

Submissions (10):

Labcorp Genetics (formerly Invitae), Labcorp
Classification: Likely benign for Hereditary breast ovarian cancer syndrome. Last evaluated: 2025-01-14. Review status: criteria provided, single submitter. Criteria: Invitae Variant Classification Sherloc (09022015). Collection method: clinical testing. Allele origin: germline.

All of Us Research Program, National Institutes of Health
Classification: Likely benign for Breast-ovarian cancer, familial, susceptibility to, 2. Last evaluated: 2023-10-02. Review status: criteria provided, single submitter. Criteria: ACMG Guidelines, 2015. Collection method: clinical testing. Allele origin: germline. Inheritance: Autosomal dominant inheritance. Observed: 1 variant allele, 1 heterozygote.
Comment: This study involves interpretation of variants in research participants for the purpose of population health screening. Participant phenotype was not available at the time of variant classification. Additional details can be found in publication PMID: 35346344, PMCID: PMC8962531

Women's Health and Genetics/Laboratory Corporation of America, LabCorp
Classification: Likely benign. Last evaluated: 2022-09-01. Review status: criteria provided, single submitter. Criteria: LabCorp Variant Classification Summary - May 2015. Collection method: clinical testing. Allele origin: germline.
Comment: Variant summary: BRCA2 c.317-10A>G alters a nucleotide located close to a canonical splice site and therefore could affect mRNA splicing, leading to a significantly altered protein sequence. 4/4 computational tools predict no significant impact on normal splicing, and an experimental study confirmed the variant had no impact on exon splicing (Ryu_2020). The variant allele was found at a frequency of 8e-06 in 249536 control chromosomes. The available data on variant occurrences in the general population are insufficient to allow any conclusion about variant significance. c.317-10A>G has been reported in the literature, without strong evidence for causality (Park_2017, Arai_2017). Co-occurrences with other pathogenic variants have been reported (BRCA1 c.80+1G>A; BRCA2 c.866delA, internal data), providing supporting evidence for a benign role. Four clinical diagnostic laboratories have submitted clinical-significance assessments for this variant to ClinVar after 2014 without evidence for independent evaluation. All laboratories classified the variant as likely benign. Based on the evidence outlined above, the variant was classified as likely benign.

Department of Pathology and Laboratory Medicine, Sinai Health System
Classification: Likely benign for Familial cancer of breast; Breast-ovarian cancer, familial, susceptibility to, 2. Last evaluated: 2022-03-09. Review status: criteria provided, single submitter. Criteria: ACMG Guidelines, 2015. Collection method: clinical testing. Allele origin: germline. Affected: yes.

GeneDx
Classification: Likely benign. Last evaluated: 2021-02-23. Review status: criteria provided, single submitter. Criteria: GeneDx Variant Classification Process June 2021. Collection method: clinical testing. Allele origin: germline. Affected: yes.
Comment: See Variant Classification Assertion Criteria.

Kong lab, Department of Laboratory Medicine, National Cancer Center
Classification: Uncertain significance for Breast-ovarian cancer, familial, susceptibility to, 2. Last evaluated: 2020-08-01. Review status: criteria provided, single submitter. Criteria: ACMG Guidelines, 2015. Collection method: research. Allele origin: germline, not applicable. Inheritance: Autosomal dominant inheritance. Observed: 1 heterozygote.
Comment: RT-PCR and sequencing analyses showed no detectable effect on RNA splicing, indicating that this variant does not disrupt BRCA2 mRNA processing (Ryu et al., 2020; PMID: 32761968). This variant has been observed at low frequency in population databases with allele frequencies of 1.60E-05 in gnomAD_exome, 9.0E-06 in ExAC, and 2.0E-04 in 1000G according to the most recent data from dbSNP (rs81002824). Due to the lack of evidence for functional disruption, BRCA2 c.317-10A>G has been classified as Variant of Uncertain Significance (VUS).

Quest Diagnostics Nichols Institute San Juan Capistrano
Classification: Likely benign. Last evaluated: 2020-07-31. Review status: criteria provided, single submitter. Criteria: Quest Diagnostics criteria. Collection method: clinical testing. Allele origin: unknown.

Color Diagnostics, LLC DBA Color Health
Classification: Likely benign for Hereditary cancer-predisposing syndrome. Last evaluated: 2018-12-11. Review status: criteria provided, single submitter. Criteria: ACMG Guidelines, 2015. Collection method: clinical testing. Allele origin: germline.

Sharing Clinical Reports Project (SCRP)
Classification: Likely benign for Breast-ovarian cancer, familial 2. Last evaluated: 2012-04-30. Review status: no assertion criteria provided. Collection method: clinical testing. Allele origin: germline. Not counted in ClinVar's aggregate classification.

Breast Cancer Information Core (BIC) (BRCA2)
Classification: Uncertain significance for Breast-ovarian cancer, familial 2. Last evaluated: 2003-12-23. Review status: no assertion criteria provided. Collection method: clinical testing. Allele origin: germline. Affected: yes. Observed: 2 variant alleles. Not counted in ClinVar's aggregate classification.

Literature cited by the submitters: PubMed 28111427 (cited by 3 submitters); PubMed 29176636 (cited by Women's Health and Genetics/Laboratory Corporation of America, LabCorp and Department of Pathology and Laboratory Medicine, Sinai Health System); PubMed 32761968 (cited by 3 submitters).

NM_000059.4(BRCA2):c.317-10A>G

Gene: BRCA2 (BRCA2 DNA repair associated; plus strand). Cytogenetic location: 13q13.1.
Variant type: single nucleotide variant.
Coding change: c.317-10A>G on transcript NM_000059.4 (MANE Select); 10 bases into the intron before coding-DNA position 317, A replaced by G.
Molecular consequence: intron variant.
Genome position (GRCh38, 1-based): chr13:32,325,066, A>G. VCF-style: chr13-32325066-A-G. GRCh37 (hg19) VCF-style: chr13-32899203-A-G.
Other names: IVS3-10A>G.
Identifiers: ClinVar variation 37825 (VCV000037825.20), dbSNP rs81002824, ClinGen allele CA017438.
Genomic context (GRCh38, chr13:32,325,066, plus strand): 5'-ACACTTCCAAAGAATGCAAATTTATAATCCAGAGTATATACATTCTCACTGAATTATTGT[A>G]CTGTTTCAGGAAGGAATGTTCCCAATAGTAGACATAAAAGTCTTCGCACAGTGAAAACTA-3'